The following is an entry in ClinVar:

ClinVar aggregate classification (germline): Likely pathogenic (1 of 4 stars; one submission).

Conditions:
Cardiovascular phenotype. Identifiers: MedGen CN230736.

Submission:

Ambry Genetics
Classification: Likely pathogenic for Cardiovascular phenotype. Last evaluated: 2022-02-18. Review status: criteria provided, single submitter. Criteria: Ambry Variant Classification Scheme 2023. Collection method: clinical testing. Allele origin: germline.
Comment: The p.C182Y variant (also known as c.545G>A), located in coding exon 5 of the ENG gene, results from a G to A substitution at nucleotide position 545. The cysteine at codon 182 is replaced by tyrosine, an amino acid with highly dissimilar properties. This variant co-segregated with disease in one family tested in our laboratory (Ambry internal data). Based on internal structural assessment, this alteration results in disruption of the clinically significant disulfide bond with the cysteine at codon 53 (Saito T et al. Cell Rep, 2017 05;19:1917-1928). This amino acid position is highly conserved in available vertebrate species. In addition, this alteration is predicted to be deleterious by in silico analysis. Based on the majority of available evidence to date, this variant is likely to be pathogenic.

Literature cited by the submitters: PubMed 28564608.

NM_001114753.3(ENG):c.545G>A (p.Cys182Tyr)

Gene: ENG (endoglin; minus strand). Cytogenetic location: 9q34.11.
Variant type: single nucleotide variant.
Coding change: c.545G>A on transcript NM_001114753.3 (MANE Select); coding-DNA position 545, G replaced by A.
Protein change: p.Cys182Tyr; replaces cysteine 182 with tyrosine.
Molecular consequence: missense variant. On other transcripts: 5 prime UTR variant (1).
Genome position (GRCh38, 1-based): chr9:127,825,839, C>T on the plus strand (G>A on the coding strand, the complement: ENG is on the minus strand). VCF-style: chr9-127825839-C-T. GRCh37 (hg19) VCF-style: chr9-130588118-C-T.
Other names: c.545G>A, p.Cys182Tyr (NM_000118.4, NM_001406715.1); c.-2G>A (NM_001278138.2); short protein forms C182Y.
Identifiers: ClinVar variation 1747658 (VCV001747658.2), dbSNP rs1370852588, ClinGen allele CA374983766.